The following is an entry in ClinVar:

NM_001348768.2(HECW2):c.1021G>T (p.Val341Phe)

Gene: HECW2 (HECT, C2 and WW domain containing E3 ubiquitin protein ligase 2; minus strand). Cytogenetic location: 2q32.3.
Variant type: single nucleotide variant.
Coding change: c.1021G>T on transcript NM_001348768.2 (MANE Select); coding-DNA position 1021, G replaced by T.
Protein change: p.Val341Phe; replaces valine 341 with phenylalanine.
Molecular consequence: missense variant. On other transcripts: 5 prime UTR variant (1).
Genome position (GRCh38, 1-based): chr2:196,319,869, C>A on the plus strand (G>T on the coding strand, the complement: HECW2 is on the minus strand). VCF-style: chr2-196319869-C-A. GRCh37 (hg19) VCF-style: chr2-197184593-C-A.
Other names: c.-48G>T (NM_001304840.3); c.1021G>T, p.Val341Phe (NM_020760.4); short protein forms V341F.
Identifiers: ClinVar variation 2662576 (VCV002662576.1), dbSNP rs1483745015, ClinGen allele CA349967416.

ClinVar aggregate classification (germline): Uncertain significance (1 of 4 stars; one submission).

Allele frequency attached by ClinVar (database versions not stated): gnomAD exomes below 0.00001; TOPMed below 0.00001.
gnomAD v4.1: 1 of 1,612,152 alleles (0.000062%); highest among the groups gnomAD compares: African/African-American, 0.0013%; no homozygotes.

Submission:

GeneDx
Classification: Uncertain significance. Last evaluated: 2023-04-18. Review status: criteria provided, single submitter. Criteria: GeneDx Variant Classification Process June 2021. Collection method: clinical testing. Allele origin: germline. Affected: yes.
Comment: Not observed at significant frequency in large population cohorts (gnomAD); In silico analysis supports that this missense variant does not alter protein structure/function; Has not been previously published as pathogenic or benign to our knowledge